The following is an entry in ClinVar:

ClinVar aggregate classification (germline): Uncertain significance (1 of 4 stars; one submission).

Conditions:
Osteogenesis imperfecta type 7 (OI7). Also called: OSTEOGENESIS IMPERFECTA, TYPE IIB; Osteogenesis imperfecta type 2B; OI type 2B; Osteogenesis imperfecta, perinatal lethal autosomal recessive; OI type IIB; OI type 7. Identifiers: MedGen C1853162, MONDO:0012536, OMIM 610682.

Allele frequency attached by ClinVar (database versions not stated): gnomAD exomes 0.00002; ExAC 0.00003; gnomAD 0.00005; TOPMed 0.00005.
gnomAD v4.1: 25 of 1,613,996 alleles (0.0015%); highest among the groups gnomAD compares: Admixed American, 0.01%; no homozygotes.

Submission:

Labcorp Genetics (formerly Invitae), Labcorp
Classification: Uncertain significance for Osteogenesis imperfecta type 7. Last evaluated: 2021-08-20. Review status: criteria provided, single submitter. Criteria: Invitae Variant Classification Sherloc (09022015). Collection method: clinical testing. Allele origin: germline.
Comment: This sequence change replaces alanine with threonine at codon 167 of the CRTAP protein (p.Ala167Thr). The alanine residue is highly conserved and there is a small physicochemical difference between alanine and threonine. This variant is present in population databases (rs754568024, ExAC 0.01%). This variant has not been reported in the literature in individuals affected with CRTAP-related conditions. Algorithms developed to predict the effect of missense changes on protein structure and function are either unavailable or do not agree on the potential impact of this missense change (SIFT: "Deleterious"; PolyPhen-2: "Probably Damaging"; Align-GVGD: "Class C0"). In summary, the available evidence is currently insufficient to determine the role of this variant in disease. Therefore, it has been classified as a Variant of Uncertain Significance.

NM_006371.5(CRTAP):c.499G>A (p.Ala167Thr)

Gene: CRTAP (cartilage associated protein; plus strand). Cytogenetic location: 3p22.3.
Variant type: single nucleotide variant.
Coding change: c.499G>A on transcript NM_006371.5 (MANE Select); coding-DNA position 499, G replaced by A.
Protein change: p.Ala167Thr; replaces alanine 167 with threonine.
Molecular consequence: missense variant.
Genome position (GRCh38, 1-based): chr3:33,120,371, G>A. VCF-style: chr3-33120371-G-A. GRCh37 (hg19) VCF-style: chr3-33161863-G-A.
Other names: short protein forms A167T.
Identifiers: ClinVar variation 1007027 (VCV001007027.2), dbSNP rs754568024, ClinGen allele CA2300299.